The following is an entry in ClinVar:

ClinVar aggregate classification (germline): Pathogenic. Review status: reviewed by expert panel (3 of 4 stars). 97 submissions from 89 submitters: Pathogenic (1). 96 of the submissions do not count toward it. Last evaluated 2024-06-11.

Conditions:
Inherited ovarian cancer (without breast cancer).
Inherited breast cancer and ovarian cancer.
BRCA1-related cancer predisposition. Identifiers: MedGen CN377757, MONDO:0700268.
Invasive medullary breast carcinoma.
Breast-ovarian cancer, familial, susceptibility to, 1 (BROVCA1). Also called: OVARIAN CANCER, SUSCEPTIBILITY TO; BRCA1 Hereditary Breast and Ovarian Cancer. Identifiers: Orphanet 145, MedGen C2676676, MONDO:0011450, OMIM 604370. Disease mechanism: loss of function.
Fanconi anemia, complementation group S (FANCS). Identifiers: MedGen C4554406, MONDO:0054748, OMIM 617883.
Pancreatic cancer, susceptibility to, 4. Identifiers: Orphanet 1333, MedGen C3280442, MONDO:0013685, OMIM 614320.
BRCA1-related disorder. Also called: BRCA1-related condition.
Breast and/or ovarian cancer. Identifiers: MedGen CN221562.
Hereditary cancer-predisposing syndrome. Also called: Tumor predisposition; Neoplastic Syndromes, Hereditary; Hereditary neoplastic syndrome; Hereditary Cancer Syndrome. Identifiers: Orphanet 140162, MedGen C0027672, MeSH D009386, MONDO:0015356.
Ovarian neoplasm. Also called: Ovarian Neoplasms; Neoplasm of ovary; Ovarian tumor. Identifiers: MedGen C0919267, MeSH D010051, MONDO:0021068, HP:0100615.
Familial cancer of breast. Also called: Hereditary breast cancer; hereditary breast carcinoma; BREAST CANCER, FAMILIAL. Identifiers: Orphanet 227535, MedGen C0346153, MONDO:0016419, OMIM 114480. Disease mechanism: loss of function.
Endometrial carcinoma. Also called: Endometrial carcinoma, somatic. Identifiers: MedGen C0476089, MONDO:0002447, OMIM 608089, HP:0012114.
Hereditary breast ovarian cancer syndrome. Also called: Hereditary breast and ovarian cancer; Hereditary breast and ovarian cancer syndrome (HBOC); Hereditary breast and ovarian cancer syndrome; Hereditary breast and/or ovarian cancer syndrome; Breast and ovarian cancer; BRCA1- and BRCA2-Associated Hereditary Breast and Ovarian Cancer. Identifiers: Orphanet 145, MedGen C0677776, MeSH D061325, MONDO:0003582. Disease mechanism: loss of function.
Malignant tumor of breast. Also called: Malignant breast neoplasm; Cancer breast. Identifiers: MedGen C0006142, MONDO:0007254. Disease mechanism: loss of function.
Triple-negative breast cancer. Identifiers: MedGen C3539878.

Submissions 1 to 6 of 97:

ClinGen ENIGMA BRCA1 and BRCA2 Variant Curation Expert Panel, ClinGen
Classification: Pathogenic for BRCA1-related cancer predisposition. Last evaluated: 2024-06-11. Review status: reviewed by expert panel. Criteria: CSpec BRCA1/2ACMG Rules Specifications V1.0. Collection method: curation. Allele origin: germline. Inheritance: Autosomal dominant inheritance.
Comment: The c.68_69del variant in BRCA1 is a deletion of two nucleotides, predicted to encode a frameshift with consequent premature termination of the protein at codon 17 of the frameshift, or amino acid 39 (p.Glu23ValfsTer17). This variant is present in gnomAD v2.1 (exomes only, non-cancer subset) or gnomAD v3.1 (non-cancer subset) but is below the ENIGMA BRCA1/2 VCEP threshold >0.00002 for BS1_Supporting (PM2_Supporting, BS1, and BA1 are not met). Frameshift variant predicted to cause a premature stop codon in biologically-relevant-exon 3 leading to nonsense mediated decay (PVS1 met). The ENIGMA BRCA1/2 VCEP considered multiple lines of functional and clinical evidence to define exon-specific weights for PTC in BRCA1, and results indicate that strong evidence towards pathogenicity may be applied for a PTC variant in BRCA1 exon 3 (PM5_Strong (PTC)). Reported by one calibrated study to exhibit protein function similar to pathogenic control variants (PMID: 32546644) (PS3 met). In summary, this variant meets the criteria to be classified as a Pathogenic variant variant for BRCA1-related cancer predisposition based on the ACMG/AMP criteria applied as specified by the ENIGMA BRCA1/2 VCEP (PVS1, PM5_Strong (PTC), PS3).

Hema, HEMA – Genetic and Molecular Diagnostic Laboratory
Classification: Pathogenic for BRCA1-related cancer predisposition. Last evaluated: 2026-09-14. Review status: criteria provided, single submitter. Criteria: HEMA Variant Classification Assertion Criteria. Collection method: clinical testing. Allele origin: germline. Not counted in ClinVar's aggregate classification.
Comment: It is a two-nucleotide deletion that results in a frameshift in BRCA1. PVS1: Null variant (frameshift) in a gene for which loss of function is a known disease mechanism. The variant c.68_69del p.Glu23ValfsTer17 in the BRCA1 gene is a frameshift variant that introduces a premature stop codon in exon 3/23, which is predicted to lead to nonsense-mediated decay (NMD) of the transcript. PS3: According to a calibrated study, the variant shows protein function similar to pathogenic control variants (PMID: 32546644). PM5_Strong: Variant that introduces a stop codon in exon 3 of BRCA1.

PreventionGenetics, part of Exact Sciences
Classification: Pathogenic for BRCA1-related condition. Last evaluated: 2026-09-13. Review status: criteria provided, single submitter. Criteria: ACMG Guidelines, 2015. Collection method: clinical testing. Allele origin: germline. Not counted in ClinVar's aggregate classification.
Comment: The BRCA1 c.68_69delAG variant is predicted to result in a frameshift and premature protein termination (p.Glu23Valfs*17). This variant, also described as 185delAG or 187delAG in the literature, has been identified in individuals with clinical features consistent with autosomal dominant hereditary breast, ovarian, pancreatic, and prostate cancer syndrome (HBOPP) (Yang et al. 2022. PubMed ID: 36451132; Gabaldó Barrios et al. 2017. PubMed ID: 28477318; Finkelman et al. 2012. PubMed ID: 22430266; Struewing et al. 1997. PubMed ID:9145676; Roa et al. 1996. PubMed ID:8841191). This is a recurrent variant among individuals of Spanish origin and is a founder variant in the Ashkenazi Jewish population. It is seen in 0.41% of the Ashkenazi Jewish population in gnomAD. This variant is interpreted as pathogenic in ClinVar (Variation ID: 17662). It is expected to result in a loss of BRCA1 protein function, and loss-of-function variants are expected to be pathogenic (Borg et al. 2010. PubMed ID: 20104584). In summary, this variant is interpreted as pathogenic.

Genetics Laboratory, Great Ormond Street Hospital NHS Foundation Trust, North Thames Genomic Laboratory Hub
Classification: Pathogenic for Inherited ovarian cancer (without breast cancer). Last evaluated: 2026-09-11. Review status: criteria provided, single submitter. Criteria: CanVIG BRCA Gene Specific V1.22. Collection method: clinical testing. Allele origin: germline. Affected: yes. Not counted in ClinVar's aggregate classification.
Comment: PS4_very-strong, PVS1_very-strong, PM5_strong, PS3_strong

OLLIN Analises Genomicas, OLLIN
Classification: Pathogenic for Fanconi anemia, complementation group S. Last evaluated: 2026-08-06. Review status: criteria provided, single submitter. Criteria: ACMG Guidelines 2015 PMID 25741868. Collection method: clinical testing. Allele origin: germline. Inheritance: Autosomal recessive inheritance. Not counted in ClinVar's aggregate classification.
Comment: This frameshift variant, located in exon 2 (of 23), has been reported in ClinVar (accession VCV000055667.25) and in gnomAD with an allele frequency of 0.012%. However, to our knowledge, it has not been reported in the scientific literature. This variant causes a frameshift and introduces a premature stop codon, which is predicted to result in either a truncated protein or degradation of the mRNA via nonsense-mediated decay (NMD). Functional studies suggest that this variant may affect protein function. Another pathogenic variant affecting the same amino acid residue has been reported. According to the currently available evidence, this variant has been classified as pathogenic (PVS1, PS3, PM5_S).

Ambry Genetics
Classification: Pathogenic for Hereditary cancer-predisposing syndrome. Last evaluated: 2026-06-08. Review status: criteria provided, single submitter. Criteria: Ambry Variant Classification Scheme 2023. Collection method: clinical testing. Allele origin: germline. Not counted in ClinVar's aggregate classification.
Comment: The c.68_69delAG (p.E23Vfs*17) alteration, located in exon 2 (coding exon 1) of the BRCA1 gene, consists of a deletion of 2 nucleotides from position 68 to 69, causing a translational frameshift with a predicted alternate stop codon after 17 amino acids. This alteration is expected to result in loss of function by premature protein truncation or nonsense-mediated mRNA decay. Based on data from gnomAD, this variant has an overall frequency of 0.021% (58/282442) total alleles studied. The highest observed frequency was 0.405% (42/10368) of Ashkenazi Jewish alleles. This alteration is one of three well-characterized Ashkenazi Jewish founder mutations, with an overall carrier frequency of nearly 1% in this population (Struewing, 1995; Schubert, 1997; Hartge, 1999). This germline mutation has been reported in individuals of Ashkenazi Jewish descent, as well as in cohorts of other ethnicities, with hereditary breast and ovarian cancer (HBOC) syndrome, including individuals with male breast cancer, pancreatic cancer, and prostate cancer (Antoniou, 2005; Lucas, 2013; Lucas, 2014; Azzollini, 2016; Bernards, 2016; Alemar, 2017; Gabald&oacute; Barrios, 2017; Na, 2017; Brand, 2018; Chan, 2018; Cock-Rada, 2018; Mehta, 2018; Schayek, 2018; Singh, 2018; Wen, 2018; Abe, 2019; Ashour, 2019; Li, 2019). In a large case control-study, this variant was reported in 30/60,466 breast cancer cases and in 8/53,461 controls (Breast Cancer Association, 2021). Of note, this alteration is also designated as 185delAG, 187delAG, and 189delAG in published literature. Based on the available evidence, this alteration is classified as pathogenic.

NM_007294.4(BRCA1):c.68_69del (p.Glu23fs)

Gene: BRCA1 (BRCA1 DNA repair associated; minus strand). Cytogenetic location: 17q21.31.
Variant type: Microsatellite.
Coding change: c.68_69del on transcript NM_007294.4 (MANE Select); coding-DNA positions 68 to 69, 2 bases deleted (AG; older notation c.68_69delAG).
Protein change: p.Glu23fs; shifts the reading frame from glutamic acid 23.
Molecular consequence: frameshift variant. On other transcripts: 5 prime UTR variant (1), non-coding transcript variant (1).
Genome position (GRCh38, 1-based): chr17:43,124,028-43,124,029, CT deleted on the plus strand (AG on the coding strand, the reverse complement: BRCA1 is on the minus strand); deleting any 2 consecutive bases within chr17:43,124,028-43,124,031 gives the same sequence; the c. name uses the placement nearest the transcript's 3' end. VCF-style (leftmost placement, unchanged base first): chr17-43124027-ACT-A. GRCh37 (hg19) VCF-style: chr17-41276044-ACT-A.
Other names: NP_009225.1:p.Glu23ValfsTer17; NM_007294.4(BRCA1):c.68_69del; c.185delAG; p.Glu23fs*17; 187delAG; 185delAG; c.68_69delAG (NM_007294.4, NM_007300.3, NM_007299.3 and 1 more transcripts); c.66_67AG[1], p.Glu23Valfs (NM_001408424.1, NM_001408425.1, NM_001408426.1 and 192 more transcripts); and 21 more; short protein forms E23fs.
Identifiers: ClinVar variation 17662 (VCV000017662.190), dbSNP rs80357914, ClinGen allele CA003783.